The following is an entry in ClinVar:

NM_020461.4(TUBGCP6):c.2267C>T (p.Ala756Val)

Gene: TUBGCP6 (tubulin gamma complex component 6; minus strand). Cytogenetic location: 22q13.33.
Variant type: single nucleotide variant.
Coding change: c.2267C>T on transcript NM_020461.4 (MANE Select); coding-DNA position 2267, C replaced by T.
Protein change: p.Ala756Val; replaces alanine 756 with valine.
Molecular consequence: missense variant.
Genome position (GRCh38, 1-based): chr22:50,224,144, G>A on the plus strand (C>T on the coding strand, the complement: TUBGCP6 is on the minus strand). VCF-style: chr22-50224144-G-A. GRCh37 (hg19) VCF-style: chr22-50662573-G-A.
Other names: c.2267C>T (NM_020461.3); short protein forms A756V.
Identifiers: ClinVar variation 1469049 (VCV001469049.9), dbSNP rs748035102, ClinGen allele CA10308301.

ClinVar aggregate classification (germline): Uncertain significance (1 of 4 stars; one submission).

Conditions:
Microcephaly and chorioretinopathy 1. Also called: Microcephaly and chorioretinopathy, autosomal recessive, 1. Identifiers: MedGen C3278481, MONDO:0009624, OMIM 251270.

Allele frequency attached by ClinVar (database versions not stated): gnomAD 0.00001; gnomAD exomes 0.00001; TOPMed 0.00001; ExAC 0.00002.
gnomAD v4.1: 20 of 1,612,744 alleles (0.0012%); highest among the groups gnomAD compares: South Asian, 0.0022%; no homozygotes.

Submission:

Labcorp Genetics (formerly Invitae), Labcorp
Classification: Uncertain significance. Last evaluated: 2022-03-19. Review status: criteria provided, single submitter. Criteria: Invitae Variant Classification Sherloc (09022015). Collection method: clinical testing. Allele origin: germline.
Comment: In summary, the available evidence is currently insufficient to determine the role of this variant in disease. Therefore, it has been classified as a Variant of Uncertain Significance. Algorithms developed to predict the effect of sequence changes on RNA splicing suggest that this variant may create or strengthen a splice site. Algorithms developed to predict the effect of missense changes on protein structure and function are either unavailable or do not agree on the potential impact of this missense change (SIFT: "Tolerated"; PolyPhen-2: "Possibly Damaging"; Align-GVGD: "Class C0"). This variant has not been reported in the literature in individuals affected with TUBGCP6-related conditions. This variant is present in population databases (rs748035102, gnomAD 0.003%). This sequence change replaces alanine, which is neutral and non-polar, with valine, which is neutral and non-polar, at codon 756 of the TUBGCP6 protein (p.Ala756Val).